The following is an entry in ClinVar:

ClinVar aggregate classification (germline): Uncertain significance. Review status: criteria provided, multiple submitters, no conflicts (2 of 4 stars). 4 submissions from 4 submitters: Uncertain significance (4). Last evaluated 2024-10-28.

Conditions:
Inborn genetic diseases. Identifiers: MedGen C0950123, MeSH D030342.
Charcot-Marie-Tooth disease type 4. Also called: Charcot-Marie-Tooth disease, type IV; Charcot-Marie-Tooth, Type 4. Identifiers: Orphanet 64749, MedGen C4082197, MONDO:0018995.
Charcot-Marie-Tooth disease type 4B2. Also called: Charcot-Marie-Tooth Neuropathy Type 4B2; CMT 4B2; CHARCOT-MARIE-TOOTH DISEASE, DEMYELINATING, TYPE 4B2; CHARCOT-MARIE-TOOTH DISEASE, WITH FOCALLY FOLDED MYELIN SHEATHS, AUTOSOMAL RECESSIVE, TYPE 4B2. Identifiers: Orphanet 99956, MedGen C1858278, MONDO:0011475, OMIM 604563.

Allele frequency attached by ClinVar (database versions not stated): TOPMed 0.00005; gnomAD 0.00006; gnomAD exomes 0.00006 and 0.00008; ExAC 0.00008; ESP Exome Variant Server 0.00008.
gnomAD v4.1: 89 of 1,613,894 alleles (0.0055%); highest among the groups gnomAD compares: Non-Finnish European, 0.0072%; no homozygotes.

Submissions (4):

Ambry Genetics
Classification: Uncertain significance for Inborn genetic diseases. Last evaluated: 2024-10-28. Review status: criteria provided, single submitter. Criteria: Ambry Variant Classification Scheme 2023. Collection method: clinical testing. Allele origin: germline.

ARUP Laboratories, Molecular Genetics and Genomics, ARUP Laboratories
Classification: Uncertain significance for Charcot-Marie-Tooth disease type 4B2. Last evaluated: 2024-02-26. Review status: criteria provided, single submitter. Criteria: ARUP Molecular Germline Variant Investigation Process 2024. Collection method: clinical testing. Allele origin: germline.
Comment: The SBF2 c.2424T>A; p.Asn808Lys variant (rs146868794), to our knowledge, is not reported in the medical literature but is reported in ClinVar (Variation ID: 580538). This variant is found in the general population with an overall allele frequency of 0.008% (22/282,778 alleles) in the Genome Aggregation Database (v2.1.1). Computational analyses are uncertain whether this variant is neutral or deleterious (REVEL: 0.226). However, given the lack of clinical and functional data, the significance of this variant is uncertain at this time.

Labcorp Genetics (formerly Invitae), Labcorp
Classification: Uncertain significance for Charcot-Marie-Tooth disease type 4. Last evaluated: 2022-08-04. Review status: criteria provided, single submitter. Criteria: Invitae Variant Classification Sherloc (09022015). Collection method: clinical testing. Allele origin: germline.
Comment: This sequence change replaces asparagine, which is neutral and polar, with lysine, which is basic and polar, at codon 808 of the SBF2 protein (p.Asn808Lys). This variant is present in population databases (rs146868794, gnomAD 0.01%). This variant has not been reported in the literature in individuals affected with SBF2-related conditions. ClinVar contains an entry for this variant (Variation ID: 580538). Algorithms developed to predict the effect of missense changes on protein structure and function (SIFT, PolyPhen-2, Align-GVGD) all suggest that this variant is likely to be tolerated. In summary, the available evidence is currently insufficient to determine the role of this variant in disease. Therefore, it has been classified as a Variant of Uncertain Significance.

Illumina Laboratory Services, Illumina
Classification: Uncertain significance for Charcot-Marie-Tooth disease type 4B2. Last evaluated: 2018-01-13. Review status: criteria provided, single submitter. Criteria: ICSL Variant Classification Criteria 13 December 2019. Collection method: clinical testing. Allele origin: germline.

NM_030962.4(SBF2):c.2424T>A (p.Asn808Lys)

Genes: SBF2 (SET binding factor 2; minus strand), LOC101928008 (uncharacterized LOC101928008; plus strand). Cytogenetic location: 11p15.4.
Variant type: single nucleotide variant.
Coding change: c.2424T>A on transcript NM_030962.4 (MANE Select); coding-DNA position 2424, T replaced by A.
Protein change: p.Asn808Lys; replaces asparagine 808 with lysine.
Molecular consequence: missense variant.
Genome position (GRCh38, 1-based): chr11:9,853,652, A>T on the plus strand (T>A on the coding strand, the complement: SBF2 is on the minus strand). VCF-style: chr11-9853652-A-T. GRCh37 (hg19) VCF-style: chr11-9875199-A-T.
Other names: c.2424T>A, p.Asn808Lys (NM_001386339.1); c.2295T>A, p.Asn765Lys (NM_001386342.1); short protein forms N808K, N765K.
Identifiers: ClinVar variation 580538 (VCV000580538.13), dbSNP rs146868794, ClinGen allele CA5881564.